The following is an entry in ClinVar:

ClinVar aggregate classification (germline): Uncertain significance. Review status: criteria provided, multiple submitters, no conflicts (2 of 4 stars). 2 submissions from 2 submitters: Uncertain significance (2). Last evaluated 2026-03-09.

Submissions (2):

Women's Health and Genetics/Laboratory Corporation of America, LabCorp
Classification: Uncertain significance. Last evaluated: 2026-03-09. Review status: criteria provided, single submitter. Criteria: LabCorp Variant Classification Summary - May 2015. Collection method: clinical testing. Allele origin: germline.
Comment: Variant summary: DPYSL5 c.-1C>T is located in the untranslated mRNA region upstream of the initiation codon. The variant was absent in 250344 control chromosomes. The available data on variant occurrences in the general population are insufficient to allow any conclusion about variant significance. To our knowledge, no occurrence of c.-1C>T in individuals affected with DPYSL5-related conditions and no experimental evidence demonstrating its impact on protein function have been reported. ClinVar contains an entry for this variant (Variation ID: 2581767). Based on the evidence outlined above, the variant was classified as uncertain significance.

GeneDx
Classification: Uncertain significance. Last evaluated: 2023-09-26. Review status: criteria provided, single submitter. Criteria: GeneDx Variant Classification Process June 2021. Collection method: clinical testing. Allele origin: germline. Affected: yes.
Comment: Not observed at significant frequency in large population cohorts (gnomAD); Nucleotide substitution has no predicted effect on splicing and is not conserved across species; Has not been previously published as pathogenic or benign to our knowledge; This variant is associated with the following publications: (PMID: 27535533)

NM_020134.4(DPYSL5):c.-1C>T

Gene: DPYSL5 (dihydropyrimidinase like 5; plus strand). Cytogenetic location: 2p23.3.
Variant type: single nucleotide variant.
Coding change: c.-1C>T on transcript NM_020134.4 (MANE Select); 1 bases upstream of the start codon, C replaced by T.
Molecular consequence: 5 prime UTR variant.
Genome position (GRCh38, 1-based): chr2:26,898,499, C>T. VCF-style: chr2-26898499-C-T. GRCh37 (hg19) VCF-style: chr2-27121367-C-T.
Other names: c.-1C>T (NM_001253723.2, NM_001253724.2).
Identifiers: ClinVar variation 2581767 (VCV002581767.2), dbSNP rs1158285041, ClinGen allele CA2582342356.